The following is an entry in ClinVar:

ClinVar aggregate classification (germline): Uncertain significance. Review status: criteria provided, multiple submitters, no conflicts (2 of 4 stars). 2 submissions from 2 submitters: Uncertain significance (2). Last evaluated 2024-12-29.

Conditions:
Hereditary cancer-predisposing syndrome. Also called: Neoplastic Syndromes, Hereditary; Tumor predisposition; Hereditary neoplastic syndrome; Hereditary Cancer Syndrome. Identifiers: Orphanet 140162, MedGen C0027672, MeSH D009386, MONDO:0015356.

Allele frequency attached by ClinVar (database versions not stated): gnomAD exomes below 0.00001.
gnomAD v4.1: 1 of 1,555,212 alleles (0.000064%); highest among the groups gnomAD compares: Non-Finnish European, 0.000087%; no homozygotes.

Submissions (2):

GeneDx
Classification: Uncertain significance. Last evaluated: 2024-12-29. Review status: criteria provided, single submitter. Criteria: GeneDx Variant Classification Process June 2021. Collection method: clinical testing. Allele origin: germline. Affected: yes.
Comment: Not observed at significant frequency in large population cohorts (gnomAD); In silico analysis supports that this missense variant has a deleterious effect on protein structure/function; Has not been previously published as pathogenic or benign to our knowledge; This variant is associated with the following publications: (PMID: 14633923)

Ambry Genetics
Classification: Uncertain significance for Hereditary cancer-predisposing syndrome. Last evaluated: 2022-05-12. Review status: criteria provided, single submitter. Criteria: Ambry Variant Classification Scheme 2023. Collection method: clinical testing. Allele origin: germline.
Comment: The p.G546E variant (also known as c.1637G>A), located in coding exon 8 of the RET gene, results from a G to A substitution at nucleotide position 1637. The glycine at codon 546 is replaced by glutamic acid, an amino acid with similar properties. This amino acid position is conserved. In addition, this alteration is predicted to be deleterious by in silico analysis. Since supporting evidence is limited at this time, the clinical significance of this alteration remains unclear.

NM_020975.6(RET):c.1637G>A (p.Gly546Glu)

Gene: RET (ret proto-oncogene; plus strand). Cytogenetic location: 10q11.21.
Variant type: single nucleotide variant.
Coding change: c.1637G>A on transcript NM_020975.6 (MANE Select); coding-DNA position 1637, G replaced by A.
Protein change: p.Gly546Glu; replaces glycine 546 with glutamic acid.
Molecular consequence: missense variant.
Genome position (GRCh38, 1-based): chr10:43,112,213, G>A. VCF-style: chr10-43112213-G-A. GRCh37 (hg19) VCF-style: chr10-43607661-G-A.
Other names: c.1637G>A, p.Gly546Glu (NM_000323.2, NM_001406743.1, NM_001406744.1 and 6 more transcripts); c.875G>A, p.Gly292Glu (NM_001355216.2); c.1508G>A, p.Gly503Glu (NM_001406761.1, NM_001406762.1, NM_001406764.1 and 1 more transcripts); c.1349G>A, p.Gly450Glu (NM_001406766.1, NM_001406767.1, NM_001406770.1); c.1241G>A, p.Gly414Glu (NM_001406769.1, NM_001406772.1); c.1199G>A, p.Gly400Glu (NM_001406771.1, NM_001406773.1); c.1112G>A, p.Gly371Glu (NM_001406774.1); c.911G>A, p.Gly304Glu (NM_001406775.1, NM_001406776.1, NM_001406777.1 and 1 more transcripts); and 5 more; short protein forms G151E, G204E, G216E, G247E, G292E, G304E, G371E, G400E.
Identifiers: ClinVar variation 3227513 (VCV003227513.2), dbSNP rs2538460962, ClinGen allele CA376550856.